The following is an entry in ClinVar:

ClinVar aggregate classification (germline): Uncertain significance (1 of 4 stars; one submission).

Conditions:
POLD1-related polyposis and colorectal cancer syndrome (CRCS10). Also called: Colorectal cancer 10; COLORECTAL CANCER, SUSCEPTIBILITY TO, ON CHROMOSOME 19q; Colorectal cancer, susceptibility to, 10. Identifiers: Orphanet 220460, MedGen C2675481, MONDO:0012953, OMIM 612591.

Submission:

Labcorp Genetics (formerly Invitae), Labcorp
Classification: Uncertain significance for POLD1-related polyposis and colorectal cancer syndrome. Last evaluated: 2021-12-23. Review status: criteria provided, single submitter. Criteria: Invitae Variant Classification Sherloc (09022015). Collection method: clinical testing. Allele origin: germline.
Comment: This sequence change replaces glutamic acid, which is acidic and polar, with glycine, which is neutral and non-polar, at codon 330 of the POLD1 protein (p.Glu330Gly). This variant is not present in population databases (gnomAD no frequency). This variant has not been reported in the literature in individuals affected with POLD1-related conditions. ClinVar contains an entry for this variant (Variation ID: 578666). Algorithms developed to predict the effect of missense changes on protein structure and function (SIFT, PolyPhen-2, Align-GVGD) all suggest that this variant is likely to be tolerated. In summary, the available evidence is currently insufficient to determine the role of this variant in disease. Therefore, it has been classified as a Variant of Uncertain Significance.

NM_002691.4(POLD1):c.989A>G (p.Glu330Gly)

Gene: POLD1 (DNA polymerase delta 1, catalytic subunit; plus strand). Cytogenetic location: 19q13.33.
Variant type: single nucleotide variant.
Coding change: c.989A>G on transcript NM_002691.4 (MANE Select); coding-DNA position 989, A replaced by G.
Protein change: p.Glu330Gly; replaces glutamic acid 330 with glycine.
Molecular consequence: missense variant. On other transcripts: non-coding transcript variant (1).
Genome position (GRCh38, 1-based): chr19:50,403,071, A>G. VCF-style: chr19-50403071-A-G. GRCh37 (hg19) VCF-style: chr19-50906328-A-G.
Other names: c.989A>G, p.Glu330Gly (NM_001256849.1, NM_001308632.1); short protein forms E330G.
Identifiers: ClinVar variation 578666 (VCV000578666.8), dbSNP rs1568622036, ClinGen allele CA406977796.
Genomic context (GRCh38, chr19:50,403,071, plus strand): 5'-TGAGGGGCAGGAGTCAGGCCCCTGCATCCTCCTGCCTCGCAGGCATCTTCCCTGAGCCTG[A>G]GCGGGACCCTGTCATCCAGATCTGCTCGCTGGGCCTGCGCTGGGGGGAGCCGGAGCCCTT-3'
Protein context (NP_002682.2, residues 320-340): AGRKGIFPEP[Glu330Gly]RDPVIQICSL